The following is an entry in ClinVar:

NM_001987.5(ETV6):c.521C>T (p.Pro174Leu)

Gene: ETV6 (ETS variant transcription factor 6; plus strand). Cytogenetic location: 12p13.2.
Variant type: single nucleotide variant.
Coding change: c.521C>T on transcript NM_001987.5 (MANE Select); coding-DNA position 521, C replaced by T.
Protein change: p.Pro174Leu; replaces proline 174 with leucine.
Molecular consequence: missense variant.
Genome position (GRCh38, 1-based): chr12:11,869,481, C>T. VCF-style: chr12-11869481-C-T. GRCh37 (hg19) VCF-style: chr12-12022415-C-T.
Other names: c.518C>T, p.Pro173Leu (NM_001413913.1); c.494C>T, p.Pro165Leu (NM_001413914.1); c.257C>T, p.Pro86Leu (NM_001413915.1); c.521C>T, p.Pro174Leu (NM_001413916.1, NM_001413917.1); short protein forms P174L, P173L, P165L, P86L.
Identifiers: ClinVar variation 4826554 (VCV004826554.1).

ClinVar aggregate classification (germline): Uncertain significance (1 of 4 stars; one submission).

Conditions:
Inborn genetic diseases. Identifiers: MedGen C0950123, MeSH D030342.

Submission:

Ambry Genetics
Classification: Uncertain significance for Inborn genetic diseases. Last evaluated: 2026-03-09. Review status: criteria provided, single submitter. Criteria: Ambry Variant Classification Scheme 2023. Collection method: clinical testing. Allele origin: germline.
Comment: The p.P174L variant (also known as c.521C>T), located in coding exon 5 of the ETV6 gene, results from a C to T substitution at nucleotide position 521. The proline at codon 174 is replaced by leucine, an amino acid with similar properties. This amino acid position is conserved. In addition, the in silico prediction for this alteration is inconclusive. Based on the available evidence, the clinical significance of this variant remains unclear.